The following is an entry in ClinVar:

ClinVar aggregate classification (germline): Pathogenic (1 of 4 stars; one submission).

Conditions:
Chédiak-Higashi syndrome (CHS). Also called: Chediak-Higashi Syndrome. Identifiers: Orphanet 167, MedGen C0007965, MONDO:0008963, OMIM 214500.

Allele frequency attached by ClinVar (database versions not stated): gnomAD exomes below 0.00001.
gnomAD v4.1: 1 of 1,613,048 alleles (0.000062%); highest among the groups gnomAD compares: Non-Finnish European, 0.000085%; no homozygotes.

Submission:

Labcorp Genetics (formerly Invitae), Labcorp
Classification: Pathogenic for Chédiak-Higashi syndrome. Last evaluated: 2023-01-29. Review status: criteria provided, single submitter. Criteria: Invitae Variant Classification Sherloc (09022015). Collection method: clinical testing. Allele origin: germline.
Comment: This sequence change creates a premature translational stop signal (p.Lys1634*) in the LYST gene. It is expected to result in an absent or disrupted protein product. Loss-of-function variants in LYST are known to be pathogenic (PMID: 9215679, 11857544). This variant is not present in population databases (gnomAD no frequency). This variant has not been reported in the literature in individuals affected with LYST-related conditions. For these reasons, this variant has been classified as Pathogenic.

Literature cited by the submitters: PubMed 9215679; PubMed 11857544.

NM_000081.4(LYST):c.4900A>T (p.Lys1634Ter)

Gene: LYST (lysosomal trafficking regulator; minus strand). Cytogenetic location: 1q42.3.
Variant type: single nucleotide variant.
Coding change: c.4900A>T on transcript NM_000081.4 (MANE Select); coding-DNA position 4900, A replaced by T.
Protein change: p.Lys1634Ter; replaces lysine 1634 with a stop codon.
Molecular consequence: nonsense.
Genome position (GRCh38, 1-based): chr1:235,782,050, T>A on the plus strand (A>T on the coding strand, the complement: LYST is on the minus strand). VCF-style: chr1-235782050-T-A. GRCh37 (hg19) VCF-style: chr1-235945350-T-A.
Other names: c.4900A>T, p.Lys1634Ter (NM_001301365.1); short protein forms K1634*.
Identifiers: ClinVar variation 2716179 (VCV002716179.3), dbSNP rs986454063, ClinGen allele CA344956406.